The following is an entry in ClinVar:

NM_018083.5(ZNF358):c.1215_1241del (p.Ala408_Ala416del)

Gene: ZNF358 (zinc finger protein 358; plus strand). Cytogenetic location: 19p13.2.
Variant type: Deletion.
Coding change: c.1215_1241del on transcript NM_018083.5 (MANE Select); coding-DNA positions 1215 to 1241, 27 bases deleted (TGCCGCGGCCGCTGCAGCTGCAGCAGC).
Protein change: p.Ala408_Ala416del.
Molecular consequence: inframe deletion.
Genome position (GRCh38, 1-based): chr19:7,520,457-7,520,483, TGCCGCGGCCGCTGCAGCTGCAGCAGC deleted; deleting any 27 consecutive bases within chr19:7,520,452-7,520,483 gives the same sequence; the c. name uses the placement nearest the transcript's 3' end. VCF-style (leftmost placement, unchanged base first): chr19-7520451-TGCAGCTGCCGCGGCCGCTGCAGCTGCA-T. GRCh37 (hg19) VCF-style: chr19-7585337-TGCAGCTGCCGCGGCCGCTGCAGCTGCA-T.
Identifiers: ClinVar variation 2649162 (VCV002649162.24), dbSNP rs552712605, ClinGen allele CA9138449.

ClinVar aggregate classification (germline): Likely benign (1 of 4 stars; one submission).

Submission:

CeGaT Center for Human Genetics Tuebingen
Classification: Likely benign. Last evaluated: 2024-07-01. Review status: criteria provided, single submitter. Criteria: CeGaT Center For Human Genetics Tuebingen Variant Classification Criteria Version 2. Collection method: clinical testing. Allele origin: germline. Affected: yes. Observed: 4 variant alleles.
Comment: ZNF358: BS2